The following is an entry in ClinVar:

ClinVar aggregate classification (germline): Uncertain significance. Review status: criteria provided, multiple submitters, no conflicts (2 of 4 stars). 3 submissions from 3 submitters: Uncertain significance (3). Last evaluated 2023-04-03.

Conditions:
Ataxia-telangiectasia syndrome (AT). Also called: Ataxia telangiectasia (A-T); Ataxia-telangiectasia, complementation group D; ATAXIA-TELANGIECTASIA, COMPLEMENTATION GROUP A; ATAXIA-TELANGIECTASIA, FRESNO VARIANT; Cerebello-oculocutaneous telangiectasia; Immunodeficiency with ataxia telangiectasia. Identifiers: Orphanet 100, MedGen C0004135, MONDO:0008840, OMIM 208900.
Hereditary cancer-predisposing syndrome. Also called: Neoplastic Syndromes, Hereditary; Hereditary Cancer Syndrome; Tumor predisposition; Hereditary neoplastic syndrome. Identifiers: Orphanet 140162, MedGen C0027672, MeSH D009386, MONDO:0015356.

Submissions (3):

Labcorp Genetics (formerly Invitae), Labcorp
Classification: Uncertain significance for Ataxia-telangiectasia syndrome. Last evaluated: 2023-04-03. Review status: criteria provided, single submitter. Criteria: Invitae Variant Classification Sherloc (09022015). Collection method: clinical testing. Allele origin: germline.
Comment: This sequence change replaces leucine, which is neutral and non-polar, with valine, which is neutral and non-polar, at codon 1809 of the ATM protein (p.Leu1809Val). This variant is not present in population databases (gnomAD no frequency). This variant has not been reported in the literature in individuals affected with ATM-related conditions. ClinVar contains an entry for this variant (Variation ID: 1692780). An algorithm developed to predict the effect of missense changes on protein structure and function (PolyPhen-2) suggests that this variant is likely to be disruptive. In summary, the available evidence is currently insufficient to determine the role of this variant in disease. Therefore, it has been classified as a Variant of Uncertain Significance.

Sema4
Classification: Uncertain significance for Hereditary cancer-predisposing syndrome. Last evaluated: 2021-12-07. Review status: criteria provided, single submitter. Criteria: Sema4 Curation Guidelines. Collection method: curation. Allele origin: germline.
Comment: The ATM c.5425C>G (p.L1809V) variant has not been reported in the literature to our knowledge. It was not observed in the large and broad cohorts of the Genome Aggregation Database, nor has it been reported in ClinVar. Functional studies have not been performed, and in silico predictions of the variant's effect on protein function are inconclusive. The evidence is insufficient to meet ACMG/AMP criteria for classifying the variant as benign or pathogenic. Thus, the clinical significance of this variant is currently uncertain.

Ambry Genetics
Classification: Uncertain significance for Hereditary cancer-predisposing syndrome. Last evaluated: 2020-09-11. Review status: criteria provided, single submitter. Criteria: Ambry Variant Classification Scheme 2023. Collection method: clinical testing. Allele origin: germline.
Comment: The p.L1809V variant (also known as c.5425C>G), located in coding exon 35 of the ATM gene, results from a C to G substitution at nucleotide position 5425. The leucine at codon 1809 is replaced by valine, an amino acid with highly similar properties. This amino acid position is well conserved in available vertebrate species. In addition, the in silico prediction for this alteration is inconclusive. Since supporting evidence is limited at this time, the clinical significance of this alteration remains unclear.

NM_000051.4(ATM):c.5425C>G (p.Leu1809Val)

Gene: ATM (ATM serine/threonine kinase; plus strand). Cytogenetic location: 11q22.3.
Variant type: single nucleotide variant.
Coding change: c.5425C>G on transcript NM_000051.4 (MANE Select); coding-DNA position 5425, C replaced by G.
Protein change: p.Leu1809Val; replaces leucine 1809 with valine.
Molecular consequence: missense variant.
Genome position (GRCh38, 1-based): chr11:108,302,958, C>G. VCF-style: chr11-108302958-C-G. GRCh37 (hg19) VCF-style: chr11-108173685-C-G.
Other names: c.5425C>G, p.Leu1809Val (NM_001351834.2); short protein forms L1809V.
Identifiers: ClinVar variation 1692780 (VCV001692780.6), dbSNP rs2135929542, ClinGen allele CA382543966.